The following is an entry in ClinVar:

NM_015404.4(WHRN):c.925G>T (p.Val309Leu)

Gene: WHRN (whirlin; minus strand). Cytogenetic location: 9q32.
Variant type: single nucleotide variant.
Coding change: c.925G>T on transcript NM_015404.4 (MANE Select); coding-DNA position 925, G replaced by T.
Protein change: p.Val309Leu; replaces valine 309 with leucine.
Molecular consequence: missense variant. On other transcripts: 5 prime UTR variant (1).
Genome position (GRCh38, 1-based): chr9:114,466,305, C>A on the plus strand (G>T on the coding strand, the complement: WHRN is on the minus strand). VCF-style: chr9-114466305-C-A. GRCh37 (hg19) VCF-style: chr9-117228585-C-A.
Other names: c.-225G>T (NM_001083885.3); c.925G>T, p.Val309Leu (NM_001173425.2); short protein forms V309L.
Identifiers: ClinVar variation 4686270 (VCV004686270.1).

ClinVar aggregate classification (germline): Uncertain significance (1 of 4 stars; one submission).

gnomAD v4.1: 7 of 1,614,120 alleles (0.00043%); highest among the groups gnomAD compares: South Asian, 0.0066%; no homozygotes.

Submission:

GeneDx
Classification: Uncertain significance. Last evaluated: 2025-07-15. Review status: criteria provided, single submitter. Criteria: GeneDx Variant Classification Process June 2021. Collection method: clinical testing. Allele origin: germline. Affected: yes.
Comment: Not observed at significant frequency in large population cohorts (gnomAD); In silico analysis suggests that this missense variant does not alter protein structure/function; Has not been previously published as pathogenic or benign to our knowledge